The following is an entry in ClinVar:

ClinVar aggregate classification (germline): Uncertain significance (1 of 4 stars; one submission).

Conditions:
Nemaline myopathy 2 (NEM2). Also called: Nemaline myopathy 2, autosomal recessive. Identifiers: MedGen C1850569, MONDO:0009725, OMIM 256030.

Submission:

Labcorp Genetics (formerly Invitae), Labcorp
Classification: Uncertain significance for Nemaline myopathy 2. Last evaluated: 2022-04-22. Review status: criteria provided, single submitter. Criteria: Invitae Variant Classification Sherloc (09022015). Collection method: clinical testing. Allele origin: germline.
Comment: In summary, the available evidence is currently insufficient to determine the role of this variant in disease. Therefore, it has been classified as a Variant of Uncertain Significance. This sequence change replaces threonine, which is neutral and polar, with proline, which is neutral and non-polar, at codon 2457 of the NEB protein (p.Thr2457Pro). This variant is not present in population databases (gnomAD no frequency). This variant has not been reported in the literature in individuals affected with NEB-related conditions. Algorithms developed to predict the effect of missense changes on protein structure and function are either unavailable or do not agree on the potential impact of this missense change (SIFT: "Deleterious"; PolyPhen-2: "Not Available"; Align-GVGD: "Class C0").

NM_001164508.2(NEB):c.7369A>C (p.Thr2457Pro)

Gene: NEB (nebulin; minus strand). Cytogenetic location: 2q23.3.
Variant type: single nucleotide variant.
Coding change: c.7369A>C on transcript NM_001164508.2 (MANE Select); coding-DNA position 7369, A replaced by C.
Protein change: p.Thr2457Pro; replaces threonine 2457 with proline.
Molecular consequence: missense variant.
Genome position (GRCh38, 1-based): chr2:151,650,238, T>G on the plus strand (A>C on the coding strand, the complement: NEB is on the minus strand). VCF-style: chr2-151650238-T-G. GRCh37 (hg19) VCF-style: chr2-152506752-T-G.
Other names: c.7369A>C, p.Thr2457Pro (NM_001164507.2, NM_001271208.2, NM_004543.5); short protein forms T2457P.
Identifiers: ClinVar variation 2127169 (VCV002127169.4), dbSNP rs775779155, ClinGen allele CA348787907.